The following is an entry in ClinVar:

NM_001145715.3(KPNA7):c.851T>A (p.Val284Asp)

Gene: KPNA7 (karyopherin subunit alpha 7; minus strand). Cytogenetic location: 7q22.1.
Variant type: single nucleotide variant.
Coding change: c.851T>A on transcript NM_001145715.3 (MANE Select); coding-DNA position 851, T replaced by A.
Protein change: p.Val284Asp; replaces valine 284 with aspartic acid.
Molecular consequence: missense variant.
Genome position (GRCh38, 1-based): chr7:99,188,349, A>T on the plus strand (T>A on the coding strand, the complement: KPNA7 is on the minus strand). VCF-style: chr7-99188349-A-T. GRCh37 (hg19) VCF-style: chr7-98785972-A-T.
Other names: short protein forms V284D.
Identifiers: ClinVar variation 1011443 (VCV001011443.9), dbSNP rs1310532725, ClinGen allele CA368419665.

ClinVar aggregate classification (germline): Uncertain significance (1 of 4 stars; one submission).

Allele frequency attached by ClinVar (database versions not stated): gnomAD exomes below 0.00001 and 0.00001; TOPMed below 0.00001.
gnomAD v4.1: 1 of 1,551,356 alleles (0.000064%); highest among the groups gnomAD compares: Admixed American, 0.002%; no homozygotes.

Submission:

Labcorp Genetics (formerly Invitae), Labcorp
Classification: Uncertain significance. Last evaluated: 2018-06-19. Review status: criteria provided, single submitter. Criteria: Invitae Variant Classification Sherloc (09022015). Collection method: clinical testing. Allele origin: germline.
Comment: This variant is not present in population databases (ExAC no frequency). In summary, the available evidence is currently insufficient to determine the role of this variant in disease. Therefore, it has been classified as a Variant of Uncertain Significance. Algorithms developed to predict the effect of missense changes on protein structure and function are either unavailable or do not agree on the potential impact of this missense change (SIFT: "Deleterious"; PolyPhen-2: "Probably Damaging"; Align-GVGD: "Class C0"). This variant has not been reported in the literature in individuals with KPNA7-related disease. This sequence change replaces valine with aspartic acid at codon 284 of the KPNA7 protein (p.Val284Asp). The valine residue is weakly conserved and there is a large physicochemical difference between valine and aspartic acid.